The following is an entry in ClinVar:

NM_000045.4(ARG1):c.594T>C (p.Phe198=)

Genes: ARG1 (arginase 1; plus strand), MED23 (mediator complex subunit 23; minus strand). Cytogenetic location: 6q23.2.
Variant type: single nucleotide variant.
Coding change: c.594T>C on transcript NM_000045.4 (MANE Select); coding-DNA position 594, T replaced by C.
Protein change: p.Phe198=; no amino-acid change (phenylalanine 198 retained).
Molecular consequence: synonymous variant. On other transcripts: non-coding transcript variant (1), intron variant (2).
Genome position (GRCh38, 1-based): chr6:131,583,093, T>C. VCF-style: chr6-131583093-T-C. GRCh37 (hg19) VCF-style: chr6-131904233-T-C.
Other names: c.339T>C, p.Phe113= (NM_001369020.1); c.4077+4616A>G (NM_001270521.2); c.4095+4616A>G (NM_015979.4); c.618T>C, p.Phe206= (NM_001244438.2).
Identifiers: ClinVar variation 703580 (VCV000703580.74), dbSNP rs149496218, ClinGen allele CA3999319.

ClinVar aggregate classification (germline): Benign/Likely benign. Review status: criteria provided, multiple submitters, no conflicts (2 of 4 stars). 4 submissions from 4 submitters: Benign (2); Likely benign (2). Last evaluated 2026-01-28.

Conditions:
Arginase deficiency. Also called: ARGININEMIA; ARG1 DEFICIENCY; Arginase 1 Deficiency. Identifiers: Orphanet 90, MedGen C0268548, MONDO:0008814, OMIM 207800.

Allele frequency attached by ClinVar (database versions not stated): gnomAD exomes 0.00087 and 0.00036; 1000 Genomes Project 30x 0.00156; gnomAD 0.00029 and 0.00042; 1000 Genomes Project 0.00180; TOPMed 0.00044; ExAC 0.00087.
gnomAD v4.1: 605 of 1,613,922 alleles (0.037%); highest among the groups gnomAD compares: East Asian, 1.2%; 8 homozygotes.

Submissions (4):

Labcorp Genetics (formerly Invitae), Labcorp
Classification: Benign for Arginase deficiency. Last evaluated: 2026-01-28. Review status: criteria provided, single submitter. Criteria: Invitae Variant Classification Sherloc (09022015). Collection method: clinical testing. Allele origin: germline.

Blueprint Genetics
Classification: Likely benign. Last evaluated: 2024-10-30. Review status: criteria provided, single submitter. Criteria: ACMG Guidelines, 2015. Collection method: clinical testing. Allele origin: germline.

CeGaT Center for Human Genetics Tuebingen
Classification: Likely benign. Last evaluated: 2024-08-01. Review status: criteria provided, single submitter. Criteria: CeGaT Center For Human Genetics Tuebingen Variant Classification Criteria Version 2. Collection method: clinical testing. Allele origin: germline. Affected: yes. Observed: 2 variant alleles.
Comment: ARG1: BP4, BP7, BS1; MED23: BS1

Illumina Laboratory Services, Illumina
Classification: Benign for Arginase deficiency. Last evaluated: 2018-01-13. Review status: criteria provided, single submitter. Criteria: ICSL Variant Classification Criteria 13 December 2019. Collection method: clinical testing. Allele origin: germline.
Comment: This variant was observed in the ICSL laboratory as part of a predisposition screen in an ostensibly healthy population. It had not been previously curated by ICSL or reported in the Human Gene Mutation Database (HGMD: prior to June 1st, 2018), and was therefore a candidate for classification through an automated scoring system. Utilizing variant allele frequency, disease prevalence and penetrance estimates, and inheritance mode, an automated score was calculated to assess if this variant is too frequent to cause the disease. Based on the score and internal cut-off values, a variant classified as benign is not then subjected to further curation. The score for this variant resulted in a classification of benign for this disease.